The following is an entry in ClinVar:

NM_018684.4(ZC4H2):c.535_538dup (p.Arg180fs)

Gene: ZC4H2 (zinc finger C4H2-type containing; minus strand). Cytogenetic location: Xq11.2.
Variant type: Duplication.
Coding change: c.535_538dup on transcript NM_018684.4 (MANE Select); coding-DNA positions 535 to 538, 4 bases duplicated (TTCA; older notation c.535_538dupTTCA).
Protein change: p.Arg180fs; shifts the reading frame from arginine 180.
Molecular consequence: frameshift variant. On other transcripts: non-coding transcript variant (1), intron variant (1).
Genome position (GRCh38, 1-based): chrX:64,919,065-64,919,068, TGAA duplicated on the plus strand (TTCA on the coding strand, the reverse complement: ZC4H2 is on the minus strand). VCF-style (leftmost placement, unchanged base first): chrX-64919064-C-CTGAA. GRCh37 (hg19) VCF-style: chrX-64138944-C-CTGAA.
Other names: c.466_469dup, p.Arg157fs (NM_001178032.3, NM_001243804.2); c.398+1013_398+1016dup (NM_001178033.3); short protein forms R157fs, R180fs.
Identifiers: ClinVar variation 986368 (VCV000986368.1), dbSNP rs1929057804, ClinGen allele CA915941065.

ClinVar aggregate classification (germline): Likely pathogenic (0 of 4 stars; one submission).

Conditions:
Wieacker-Wolff syndrome. Also called: Miles-Carpenter syndrome; APRAXIA, OCULOMOTOR, WITH CONGENITAL CONTRACTURES AND MUSCLE ATROPHY; MENTAL RETARDATION, X-LINKED, SYNDROMIC 4; MENTAL RETARDATION, X-LINKED, WITH CONGENITAL CONTRACTURES AND LOW FINGERTIP ARCHES; Intellectual disability-developmental delay-contractures syndrome; Wieacker-Wolff, X-linked recessive. Identifiers: Orphanet 3454, Orphanet 85283, MedGen C0796200, MONDO:0010758, OMIM 314580.

Submission:

Broad Center for Mendelian Genomics, Broad Institute of MIT and Harvard
Classification: Likely pathogenic for Wieacker-Wolff syndrome. Last evaluated: 2020-11-16. Review status: no assertion criteria provided. Collection method: curation. Allele origin: germline. Inheritance: X-linked inheritance.
Comment: Trio genome analysis showed this variant to be de novo. The variant has not been previously reported in individuals with Wieacker-Wolff syndrome and was absent from large population studies. This variant is predicted to cause a frameshift, which alters the proteinâ€™s amino acid sequence beginning at position 180 and leads to a premature termination codon 46 amino acids downstream. This termination codon occurs the last exon and is more likely to escape nonsense mediated decay (NMD) and result in a truncated protein. While there is some evidence to suggest that hemizygous loss of function of the ZC4H2 gene is a disease mechanism in Wieacker-Wolff syndrome, this association is not yet strongly established based on the criteria laid out in Tayoun, 2018 (PMID: 30192042). In summary, although additional studies are required to fully establish its clinical significance, this variant is likely pathogenic for X-linked Wieacker-Wolff syndrome. ACMG/AMP Criteria applied: PS2, PM2, PVS1_supporting (Richards 2015).